The following is an entry in ClinVar:

NM_018417.6(ADCY10):c.3833C>A (p.Ala1278Asp)

Gene: ADCY10 (adenylate cyclase 10; minus strand). Cytogenetic location: 1q24.2.
Variant type: single nucleotide variant.
Coding change: c.3833C>A on transcript NM_018417.6 (MANE Select); coding-DNA position 3833, C replaced by A.
Protein change: p.Ala1278Asp; replaces alanine 1278 with aspartic acid.
Molecular consequence: missense variant.
Genome position (GRCh38, 1-based): chr1:167,824,773, G>T on the plus strand (C>A on the coding strand, the complement: ADCY10 is on the minus strand). VCF-style: chr1-167824773-G-T. GRCh37 (hg19) VCF-style: chr1-167794011-G-T.
Other names: c.3374C>A, p.Ala1125Asp (NM_001167749.3); c.3557C>A, p.Ala1186Asp (NM_001297772.2); short protein forms A1125D, A1186D, A1278D.
Identifiers: ClinVar variation 2637162 (VCV002637162.3), dbSNP rs1043496853, ClinGen allele CA31425646.

ClinVar aggregate classification (germline): Uncertain significance. Review status: criteria provided, multiple submitters, no conflicts (2 of 4 stars). 2 submissions from 2 submitters: Uncertain significance (2). Last evaluated 2025-07-30.

Conditions:
ADCY10-related disorder. Also called: ADCY10-related condition.

Allele frequency attached by ClinVar (database versions not stated): gnomAD 0.00001; TOPMed 0.00001.
gnomAD v4.1: 33 of 1,614,104 alleles (0.002%); highest among the groups gnomAD compares: Non-Finnish European, 0.0027%; no homozygotes.

Submissions (2):

Labcorp Genetics (formerly Invitae), Labcorp
Classification: Uncertain significance. Last evaluated: 2025-07-30. Review status: criteria provided, single submitter. Criteria: Invitae Variant Classification Sherloc (09022015). Collection method: clinical testing. Allele origin: germline.
Comment: This sequence change replaces alanine, which is neutral and non-polar, with aspartic acid, which is acidic and polar, at codon 1278 of the ADCY10 protein (p.Ala1278Asp). This variant is not present in population databases (gnomAD no frequency). This variant has not been reported in the literature in individuals affected with ADCY10-related conditions. ClinVar contains an entry for this variant (Variation ID: 2637162). An algorithm developed to predict the effect of missense changes on protein structure and function (PolyPhen-2) suggests that this variant is likely to be disruptive. In summary, the available evidence is currently insufficient to determine the role of this variant in disease. Therefore, it has been classified as a Variant of Uncertain Significance.

PreventionGenetics, part of Exact Sciences
Classification: Uncertain significance for ADCY10-related condition. Last evaluated: 2023-07-10. Review status: criteria provided, single submitter. Criteria: ACMG Guidelines, 2015. Collection method: clinical testing. Allele origin: germline.
Comment: The ADCY10 c.3833C>A variant is predicted to result in the amino acid substitution p.Ala1278Asp. To our knowledge, this variant has not been reported in the literature or in a large population database, indicating this variant is rare. At this time, the clinical significance of this variant is uncertain due to the absence of conclusive functional and genetic evidence.